The following is an entry in ClinVar:

ClinVar aggregate classification (germline): Conflicting classifications of pathogenicity. Review status: criteria provided, conflicting classifications (1 of 4 stars). 2 submissions from 2 submitters: Uncertain significance (1); Likely benign (1). Last evaluated 2024-12-19.

Allele frequency attached by ClinVar (database versions not stated): gnomAD exomes below 0.00001.
gnomAD v4.1: 1 of 1,609,210 alleles (0.000062%); highest among the groups gnomAD compares: Non-Finnish European, 0.000085%; no homozygotes.

Submissions (2):

GeneDx
Classification: Uncertain significance. Last evaluated: 2024-12-19. Review status: criteria provided, single submitter. Criteria: GeneDx Variant Classification Process June 2021. Collection method: clinical testing. Allele origin: germline. Affected: yes.
Comment: Not observed at significant frequency in large population cohorts (gnomAD); In silico analysis supports that this missense variant has a deleterious effect on protein structure/function; Has not been previously published as pathogenic or benign to our knowledge

Labcorp Genetics (formerly Invitae), Labcorp
Classification: Likely benign. Last evaluated: 2024-08-19. Review status: criteria provided, single submitter. Criteria: Invitae Variant Classification Sherloc (09022015). Collection method: clinical testing. Allele origin: germline.

NM_000807.4(GABRA2):c.569C>G (p.Thr190Arg)

Gene: GABRA2 (gamma-aminobutyric acid type A receptor subunit alpha2; minus strand). Cytogenetic location: 4p12.
Variant type: single nucleotide variant.
Coding change: c.569C>G on transcript NM_000807.4 (MANE Select); coding-DNA position 569, C replaced by G.
Protein change: p.Thr190Arg; replaces threonine 190 with arginine.
Molecular consequence: missense variant.
Genome position (GRCh38, 1-based): chr4:46,305,702, G>C on the plus strand (C>G on the coding strand, the complement: GABRA2 is on the minus strand). VCF-style: chr4-46305702-G-C. GRCh37 (hg19) VCF-style: chr4-46307719-G-C.
Other names: c.569C>G (NM_001114175.1); c.569C>G, p.Thr190Arg (NM_001114175.3, NM_001330690.2, NM_001377144.1 and 8 more transcripts); c.404C>G, p.Thr135Arg (NM_001286827.3, NM_001377152.1, NM_001377153.1 and 1 more transcripts); short protein forms T135R, T190R.
Identifiers: ClinVar variation 2697287 (VCV002697287.4), dbSNP rs2475645750, ClinGen allele CA356798873.
Genomic context (GRCh38, chr4:46,305,702, plus strand): 5'-GGAGCAACCTGTACTGAATCAGATGCATTGTAAGTCCAAATATAAGTGACCTCTGAAGTT[G>C]TATATGCATCTATAGGAAATCAGAAAAAATATTTTAAGCATTTTAGTAAGAACCATCAAT-3'
Protein context (NP_000798.2, residues 180-200): CPLKFGSYAY[Thr190Arg]TSEVTYIWTY